The following is an entry in ClinVar:

NM_006267.5(RANBP2):c.1284A>G (p.Arg428=)

Gene: RANBP2 (RAN binding protein 2; plus strand). Cytogenetic location: 2q13.
Variant type: single nucleotide variant.
Coding change: c.1284A>G on transcript NM_006267.5 (MANE Select); coding-DNA position 1284, A replaced by G.
Protein change: p.Arg428=; no amino-acid change (arginine 428 retained).
Molecular consequence: synonymous variant.
Genome position (GRCh38, 1-based): chr2:108,751,274, A>G. VCF-style: chr2-108751274-A-G. GRCh37 (hg19) VCF-style: chr2-109367730-A-G.
Identifiers: ClinVar variation 469427 (VCV000469427.39), dbSNP rs142514679, ClinGen allele CA1822297.

ClinVar aggregate classification (germline): Likely benign. Review status: criteria provided, multiple submitters, no conflicts (2 of 4 stars). 3 submissions from 3 submitters: Likely benign (3). Last evaluated 2024-10-21.

Conditions:
Familial acute necrotizing encephalopathy (IIAE3). Also called: Susceptibility to Acute Necrotizing Encephalopathy 1; ENCEPHALOPATHY, ACUTE, INFECTION-INDUCED, SUSCEPTIBILITY TO, 3. Identifiers: Orphanet 88619, MedGen C2675556, MONDO:0011953, OMIM 608033.

Allele frequency attached by ClinVar (database versions not stated): 1000 Genomes Project 30x 0.00031; 1000 Genomes Project 0.00040; gnomAD 0.00071 and 0.00076; TOPMed 0.00077; gnomAD exomes 0.00078 and 0.00085; ExAC 0.00086; ESP Exome Variant Server 0.00095.
gnomAD v4.1: 1,332 of 1,611,984 alleles (0.083%); highest among the groups gnomAD compares: Middle Eastern, 0.2%; 2 homozygotes.

Submissions (3):

Blueprint Genetics
Classification: Likely benign. Last evaluated: 2024-10-21. Review status: criteria provided, single submitter. Criteria: ACMG Guidelines, 2015. Collection method: clinical testing. Allele origin: germline.

Labcorp Genetics (formerly Invitae), Labcorp
Classification: Likely benign for Familial acute necrotizing encephalopathy. Last evaluated: 2024-07-15. Review status: criteria provided, single submitter. Criteria: Invitae Variant Classification Sherloc (09022015). Collection method: clinical testing. Allele origin: germline.

CeGaT Center for Human Genetics Tuebingen
Classification: Likely benign. Last evaluated: 2023-05-01. Review status: criteria provided, single submitter. Criteria: CeGaT Center For Human Genetics Tuebingen Variant Classification Criteria Version 2. Collection method: clinical testing. Allele origin: germline. Affected: yes. Observed: 2 variant alleles.
Comment: RANBP2: BP4, BP7